The following is an entry in ClinVar:

ClinVar aggregate classification (germline): Uncertain significance. Review status: criteria provided, multiple submitters, no conflicts (2 of 4 stars). 2 submissions from 2 submitters: Uncertain significance (2). Last evaluated 2025-04-24.

Conditions:
Inborn genetic diseases. Identifiers: MedGen C0950123, MeSH D030342.

Allele frequency attached by ClinVar (database versions not stated): gnomAD 0.00002.
gnomAD v4.1: 13 of 1,613,840 alleles (0.00081%); highest among the groups gnomAD compares: Non-Finnish European, 0.001%; no homozygotes.

Submissions (2):

Labcorp Genetics (formerly Invitae), Labcorp
Classification: Uncertain significance. Last evaluated: 2025-04-24. Review status: criteria provided, single submitter. Criteria: Invitae Variant Classification Sherloc (09022015). Collection method: clinical testing. Allele origin: germline.
Comment: This sequence change replaces glycine, which is neutral and non-polar, with arginine, which is basic and polar, at codon 131 of the SLC20A2 protein (p.Gly131Arg). This variant is present in population databases (rs751587953, gnomAD 0.01%). This variant has not been reported in the literature in individuals affected with SLC20A2-related conditions. ClinVar contains an entry for this variant (Variation ID: 3163310). Invitae Evidence Modeling of protein sequence and biophysical properties (such as structural, functional, and spatial information, amino acid conservation, physicochemical variation, residue mobility, and thermodynamic stability) has been performed for this missense variant. However, the output from this modeling did not meet the statistical confidence thresholds required to predict the impact of this variant on SLC20A2 protein function. In summary, the available evidence is currently insufficient to determine the role of this variant in disease. Therefore, it has been classified as a Variant of Uncertain Significance.

Ambry Genetics
Classification: Uncertain significance for Inborn genetic diseases. Last evaluated: 2023-12-17. Review status: criteria provided, single submitter. Criteria: Ambry Variant Classification Scheme 2023. Collection method: clinical testing. Allele origin: germline.

NM_001257180.2(SLC20A2):c.391G>C (p.Gly131Arg)

Gene: SLC20A2 (solute carrier family 20 member 2; minus strand). Cytogenetic location: 8p11.21.
Variant type: single nucleotide variant.
Coding change: c.391G>C on transcript NM_001257180.2 (MANE Select); coding-DNA position 391, G replaced by C.
Protein change: p.Gly131Arg; replaces glycine 131 with arginine.
Molecular consequence: missense variant.
Genome position (GRCh38, 1-based): chr8:42,465,816, C>G on the plus strand (G>C on the coding strand, the complement: SLC20A2 is on the minus strand). VCF-style: chr8-42465816-C-G. GRCh37 (hg19) VCF-style: chr8-42323334-C-G.
Other names: c.391G>C, p.Gly131Arg (NM_001257181.2, NM_006749.5); short protein forms G131R.
Identifiers: ClinVar variation 3163310 (VCV003163310.2), dbSNP rs751587953, ClinGen allele CA4733593.